The following is an entry in ClinVar:

NM_000370.3(TTPA):c.535A>G (p.Ile179Val)

Gene: TTPA (alpha tocopherol transfer protein; minus strand). Cytogenetic location: 8q12.3.
Variant type: single nucleotide variant.
Coding change: c.535A>G on transcript NM_000370.3 (MANE Select); coding-DNA position 535, A replaced by G.
Protein change: p.Ile179Val; replaces isoleucine 179 with valine.
Molecular consequence: missense variant.
Genome position (GRCh38, 1-based): chr8:63,065,921, T>C on the plus strand (A>G on the coding strand, the complement: TTPA is on the minus strand). VCF-style: chr8-63065921-T-C. GRCh37 (hg19) VCF-style: chr8-63978480-T-C.
Other names: c.535A>G, p.Ile179Val (NM_001413416.1); c.652A>G, p.Ile218Val (NM_001413418.1); short protein forms I179V, I218V.
Identifiers: ClinVar variation 2120022 (VCV002120022.1), dbSNP rs2487147174, ClinGen allele CA371332361.

ClinVar aggregate classification (germline): Uncertain significance (1 of 4 stars; one submission).

Submission:

Labcorp Genetics (formerly Invitae), Labcorp
Classification: Uncertain significance. Last evaluated: 2022-03-31. Review status: criteria provided, single submitter. Criteria: Invitae Variant Classification Sherloc (09022015). Collection method: clinical testing. Allele origin: germline.
Comment: This sequence change replaces isoleucine, which is neutral and non-polar, with valine, which is neutral and non-polar, at codon 179 of the TTPA protein (p.Ile179Val). This variant is not present in population databases (gnomAD no frequency). This variant has not been reported in the literature in individuals affected with TTPA-related conditions. Algorithms developed to predict the effect of missense changes on protein structure and function are either unavailable or do not agree on the potential impact of this missense change (SIFT: "Deleterious"; PolyPhen-2: "Benign"; Align-GVGD: "Class C25"). In summary, the available evidence is currently insufficient to determine the role of this variant in disease. Therefore, it has been classified as a Variant of Uncertain Significance.